The following is an entry in ClinVar:

ClinVar aggregate classification (germline): Benign/Likely benign. Review status: criteria provided, multiple submitters, no conflicts (2 of 4 stars). 2 submissions from 2 submitters: Benign (1); Likely benign (1). Last evaluated 2026-04-01.

Allele frequency attached by ClinVar (database versions not stated): 1000 Genomes Project 30x 0.00219; 1000 Genomes Project 0.00240; TOPMed 0.00397; gnomAD 0.00473 and 0.00477; ESP Exome Variant Server 0.00477; gnomAD exomes 0.00517 and 0.00709; ExAC 0.00552.
gnomAD v4.1: 10,972 of 1,614,002 alleles (0.68%); highest among the groups gnomAD compares: Non-Finnish European, 0.8%; 43 homozygotes.

Submissions (2):

CeGaT Center for Human Genetics Tuebingen
Classification: Likely benign. Last evaluated: 2026-04-01. Review status: criteria provided, single submitter. Criteria: CeGaT Center For Human Genetics Tuebingen Variant Classification Criteria Version 2. Collection method: clinical testing. Allele origin: germline. Affected: yes. Observed: 4 variant alleles.
Comment: KIAA0319L: BP4, BP7, BS2

Labcorp Genetics (formerly Invitae), Labcorp
Classification: Benign. Last evaluated: 2018-01-30. Review status: criteria provided, single submitter. Criteria: Invitae Variant Classification Sherloc (09022015). Collection method: clinical testing. Allele origin: germline.

NM_024874.5(KIAA0319L):c.630C>T (p.Asn210=)

Gene: KIAA0319L (KIAA0319 like; minus strand). Cytogenetic location: 1p34.3.
Variant type: single nucleotide variant.
Coding change: c.630C>T on transcript NM_024874.5 (MANE Select); coding-DNA position 630, C replaced by T.
Protein change: p.Asn210=; no amino-acid change (asparagine 210 retained).
Molecular consequence: synonymous variant.
Genome position (GRCh38, 1-based): chr1:35,506,648, G>A on the plus strand (C>T on the coding strand, the complement: KIAA0319L is on the minus strand). VCF-style: chr1-35506648-G-A. GRCh37 (hg19) VCF-style: chr1-35972249-G-A.
Identifiers: ClinVar variation 769508 (VCV000769508.27), dbSNP rs149385151, ClinGen allele CA759842.
Genomic context (GRCh38, chr1:35,506,648, plus strand): 5'-GCTCCTTATTCATAGCATGCTTACCTCTGCAGAGCCACTGGTAGTCAGACCACCTAATTC[G>A]TTGGAGTCATTCACTTTAGAATGCTGTGTCACTATAGGTGTAACTACGTCACTGGGACTA-3'
Protein context (NP_079150.3, residues 200-220): VTQHSKVNDS[Asn210=]ELGGLTTSGS